The following is an entry in ClinVar:

NM_177438.3(DICER1):c.554C>A (p.Pro185His)

Gene: DICER1 (dicer 1, ribonuclease III; minus strand). Cytogenetic location: 14q32.13.
Variant type: single nucleotide variant.
Coding change: c.554C>A on transcript NM_177438.3 (MANE Select); coding-DNA position 554, C replaced by A.
Protein change: p.Pro185His; replaces proline 185 with histidine.
Molecular consequence: missense variant. On other transcripts: 5 prime UTR variant (2), non-coding transcript variant (6).
Genome position (GRCh38, 1-based): chr14:95,130,077, G>T on the plus strand (C>A on the coding strand, the complement: DICER1 is on the minus strand). VCF-style: chr14-95130077-G-T. GRCh37 (hg19) VCF-style: chr14-95596414-G-T.
Other names: c.-14C>A (NM_001395691.1); c.554C>A, p.Pro185His (NM_001395692.1, NM_001395693.1, NM_001395694.1 and 15 more transcripts); c.149C>A, p.Pro50His (NM_001395696.1, NM_001395698.1, NM_001395687.1 and 3 more transcripts); c.-1015C>A (NM_001395697.1); c.272C>A, p.Pro91His (NM_001395686.1); short protein forms P185H, P91H, P50H.
Identifiers: ClinVar variation 1748228 (VCV001748228.2), dbSNP rs1170562259, ClinGen allele CA390888367.

ClinVar aggregate classification (germline): Uncertain significance (1 of 4 stars; one submission).

Conditions:
Hereditary cancer-predisposing syndrome. Also called: Hereditary Cancer Syndrome; Hereditary neoplastic syndrome; Neoplastic Syndromes, Hereditary; Tumor predisposition. Identifiers: Orphanet 140162, MedGen C0027672, MeSH D009386, MONDO:0015356.

Submission:

Ambry Genetics
Classification: Uncertain significance for Hereditary cancer-predisposing syndrome. Last evaluated: 2020-02-24. Review status: criteria provided, single submitter. Criteria: Ambry Variant Classification Scheme 2023. Collection method: clinical testing. Allele origin: germline.
Comment: The p.P185H variant (also known as c.554C>A), located in coding exon 4 of the DICER1 gene, results from a C to A substitution at nucleotide position 554. The proline at codon 185 is replaced by histidine, an amino acid with similar properties. This amino acid position is highly conserved in available vertebrate species. In addition, the in silico prediction for this alteration is inconclusive. Since supporting evidence is limited at this time, the clinical significance of this alteration remains unclear.